The following is an entry in ClinVar:

NM_002474.3(MYH11):c.1268C>T (p.Ala423Val)

Gene: MYH11 (myosin heavy chain 11; minus strand). Cytogenetic location: 16p13.11.
Variant type: single nucleotide variant.
Coding change: c.1268C>T on transcript NM_002474.3 (MANE Select); coding-DNA position 1268, C replaced by T.
Protein change: p.Ala423Val; replaces alanine 423 with valine.
Molecular consequence: missense variant.
Genome position (GRCh38, 1-based): chr16:15,759,709, G>A on the plus strand (C>T on the coding strand, the complement: MYH11 is on the minus strand). VCF-style: chr16-15759709-G-A. GRCh37 (hg19) VCF-style: chr16-15853566-G-A.
Other names: c.1289C>T, p.Ala430Val (NM_001040113.2, NM_001040114.2); c.1268C>T, p.Ala423Val (NM_022844.3); short protein forms A423V, A430V.
Identifiers: ClinVar variation 4804326 (VCV004804326.1).
Genomic context (GRCh38, chr16:15,759,709, plus strand): 5'-GCTTTGTTCACGCGGGTGAGTATCCAGCGGAAAAGGCGCTCATATGTTGCCTTGGCCAAA[G>A]CCTCTACAGCAAAGTCAGCCTGCAGAGGGCAACCAGGGGAACCCGGTTATTCTCAATGGG-3'
Protein context (NP_002465.1, residues 413-433): TKEQADFAVE[Ala423Val]LAKATYERLF

ClinVar aggregate classification (germline): Uncertain significance (1 of 4 stars; one submission).

Conditions:
Aortic aneurysm, familial thoracic 4 (AAT4). Also called: AORTIC ANEURYSM/AORTIC DISSECTION AND PATENT DUCTUS ARTERIOSUS. Identifiers: MedGen C1851504, MONDO:0007568, OMIM 132900.

Submission:

Labcorp Genetics (formerly Invitae), Labcorp
Classification: Uncertain significance for Aortic aneurysm, familial thoracic 4. Last evaluated: 2025-10-14. Review status: criteria provided, single submitter. Criteria: Invitae Variant Classification Sherloc (09022015). Collection method: clinical testing. Allele origin: germline.
Comment: This sequence change replaces alanine, which is neutral and non-polar, with valine, which is neutral and non-polar, at codon 430 of the MYH11 protein (p.Ala430Val). This variant is not present in population databases (gnomAD no frequency). This missense change has been observed in individual(s) with clinical features of familial thoracic aortic aneurysm and dissection (internal data). Invitae Evidence Modeling of protein sequence and biophysical properties (such as structural, functional, and spatial information, amino acid conservation, physicochemical variation, residue mobility, and thermodynamic stability) indicates that this missense variant is not expected to disrupt MYH11 protein function with a negative predictive value of 95%. In summary, the available evidence is currently insufficient to determine the role of this variant in disease. Therefore, it has been classified as a Variant of Uncertain Significance.